The following is an entry in ClinVar:

ClinVar aggregate classification (germline): Uncertain significance (1 of 4 stars; one submission).

Conditions:
Hereditary cancer-predisposing syndrome. Also called: Hereditary Cancer Syndrome; Neoplastic Syndromes, Hereditary; Tumor predisposition; Hereditary neoplastic syndrome. Identifiers: Orphanet 140162, MedGen C0027672, MeSH D009386, MONDO:0015356.

Submission:

Ambry Genetics
Classification: Uncertain significance for Hereditary cancer-predisposing syndrome. Last evaluated: 2026-07-30. Review status: criteria provided, single submitter. Criteria: Ambry Variant Classification Scheme 2023. Collection method: clinical testing. Allele origin: germline.
Comment: The c.4182_4184delAGAinsTTT variant (also known as p.D1395F), located in coding exon 21 of the DICER1 gene, results from an in-frame deletion of AGA and insertion of TTT at nucleotide positions 4182 to 4184. This results in the substitution of the aspartic acid residue for a phenylalanine residue at codon 1395, an amino acid with highly dissimilar properties. This amino acid position is well conserved in available vertebrate species. In addition, this variant is predicted to be neutral by in silico analysis (Choi Y et al. PLoS ONE. 2012; 7(10):e46688). Based on the available evidence, the clinical significance of this variant remains unclear.

NM_177438.3(DICER1):c.4182_4184delinsTTT (p.Asp1395Phe)

Gene: DICER1 (dicer 1, ribonuclease III; minus strand). Cytogenetic location: 14q32.13.
Variant type: Indel.
Coding change: c.4182_4184delinsTTT on transcript NM_177438.3 (MANE Select); coding-DNA positions 4182 to 4184, AGA replaced by TTT.
Protein change: p.Asp1395Phe; replaces aspartic acid 1395 with phenylalanine.
Molecular consequence: missense variant. On other transcripts: non-coding transcript variant (6).
Genome position (GRCh38, 1-based): chr14:95,099,802-95,099,804, TCT replaced by AAA on the plus strand (AGA replaced by TTT on the coding strand, the reverse complement: DICER1 is on the minus strand). VCF-style: chr14-95099802-TCT-AAA. GRCh37 (hg19) VCF-style: chr14-95566139-TCT-AAA.
Other names: c.4182_4184delinsTTT, p.Asp1395Phe (NM_001195573.1, NM_001271282.3, NM_001291628.2 and 12 more transcripts); c.3900_3902delinsTTT, p.Asp1301Phe (NM_001395686.1); c.3777_3779delinsTTT, p.Asp1260Phe (NM_001395687.1, NM_001395688.1, NM_001395689.1 and 2 more transcripts); c.3615_3617delinsTTT, p.Asp1206Phe (NM_001395691.1); c.2499_2501delinsTTT, p.Asp834Phe (NM_001395697.1); short protein forms D1206F, D834F, D1260F, D1301F, D1395F.
Identifiers: ClinVar variation 5035300 (VCV005035300.1).